The following is an entry in ClinVar:

ClinVar aggregate classification (germline): Uncertain significance (1 of 4 stars; one submission).

Submission:

Labcorp Genetics (formerly Invitae), Labcorp
Classification: Uncertain significance. Last evaluated: 2023-05-16. Review status: criteria provided, single submitter. Criteria: Invitae Variant Classification Sherloc (09022015). Collection method: clinical testing. Allele origin: germline.
Comment: This sequence change replaces aspartic acid, which is acidic and polar, with glutamic acid, which is acidic and polar, at codon 163 of the TCF3 protein (p.Asp163Glu). This variant is not present in population databases (gnomAD no frequency). In summary, the available evidence is currently insufficient to determine the role of this variant in disease. Therefore, it has been classified as a Variant of Uncertain Significance. Advanced modeling of protein sequence and biophysical properties (such as structural, functional, and spatial information, amino acid conservation, physicochemical variation, residue mobility, and thermodynamic stability) performed at Invitae indicates that this missense variant is not expected to disrupt TCF3 protein function. This variant has not been reported in the literature in individuals affected with TCF3-related conditions.

NM_003200.5(TCF3):c.489C>G (p.Asp163Glu)

Gene: TCF3 (transcription factor 3; minus strand). Cytogenetic location: 19p13.3.
Variant type: single nucleotide variant.
Coding change: c.489C>G on transcript NM_003200.5 (MANE Select); coding-DNA position 489, C replaced by G.
Protein change: p.Asp163Glu; replaces aspartic acid 163 with glutamic acid.
Molecular consequence: missense variant.
Genome position (GRCh38, 1-based): chr19:1,625,586, G>C on the plus strand (C>G on the coding strand, the complement: TCF3 is on the minus strand). VCF-style: chr19-1625586-G-C. GRCh37 (hg19) VCF-style: chr19-1625585-G-C.
Other names: c.489C>G, p.Asp163Glu (NM_001351778.2, NM_001351779.2, NM_001136139.4); short protein forms D163E.
Identifiers: ClinVar variation 2876450 (VCV002876450.3), dbSNP rs144538098, ClinGen allele CA403057064.